The following is an entry in ClinVar:

NM_001166108.2(PALLD):c.1094G>A (p.Ser365Asn)

Gene: PALLD (palladin, cytoskeletal associated protein; plus strand). Cytogenetic location: 4q32.3.
Variant type: single nucleotide variant.
Coding change: c.1094G>A on transcript NM_001166108.2 (MANE Select); coding-DNA position 1094, G replaced by A.
Protein change: p.Ser365Asn; replaces serine 365 with asparagine.
Molecular consequence: missense variant. On other transcripts: 5 prime UTR variant (1).
Genome position (GRCh38, 1-based): chr4:168,681,338, G>A. VCF-style: chr4-168681338-G-A. GRCh37 (hg19) VCF-style: chr4-169602489-G-A.
Other names: c.-53G>A (NM_001166109.2); c.1094G>A, p.Ser365Asn (NM_016081.4); short protein forms S365N.
Identifiers: ClinVar variation 2448445 (VCV002448445.2), dbSNP rs746962804, ClinGen allele CA358793992.

ClinVar aggregate classification (germline): Uncertain significance (1 of 4 stars; one submission).

Submission:

Ambry Genetics
Classification: Uncertain significance. Last evaluated: 2022-11-06. Review status: criteria provided, single submitter. Criteria: Ambry Variant Classification Scheme 2023. Collection method: clinical testing. Allele origin: germline.
Comment: The p.S365N variant (also known as c.1094G>A), located in coding exon 3 of the PALLD gene, results from a G to A substitution at nucleotide position 1094. The serine at codon 365 is replaced by asparagine, an amino acid with highly similar properties. This amino acid position is conserved. In addition, this alteration is predicted to be tolerated by in silico analysis. Since supporting evidence is limited at this time, the clinical significance of this alteration remains unclear.